The following is an entry in ClinVar:

NM_138295.5(PKD1L1):c.426_427delinsT (p.Ala143fs)

Gene: PKD1L1 (polycystin 1 like 1, transient receptor potential channel interacting; minus strand). Cytogenetic location: 7p12.3.
Variant type: Indel.
Coding change: c.426_427delinsT on transcript NM_138295.5 (MANE Select); coding-DNA positions 426 to 427, CG replaced by T.
Protein change: p.Ala143fs; shifts the reading frame from alanine 143.
Molecular consequence: frameshift variant.
Genome position (GRCh38, 1-based): chr7:47,932,028-47,932,029, CG replaced by A on the plus strand (CG replaced by T on the coding strand, the reverse complement: PKD1L1 is on the minus strand). VCF-style: chr7-47932028-CG-A. GRCh37 (hg19) VCF-style: chr7-47971625-CG-A.
Other names: short protein forms A143fs.
Identifiers: ClinVar variation 5016774 (VCV005016774.1).

ClinVar aggregate classification (germline): Likely pathogenic (1 of 4 stars; one submission).

Submission:

GeneDx
Classification: Likely pathogenic. Last evaluated: 2026-03-30. Review status: criteria provided, single submitter. Criteria: GeneDx Variant Classification Process June 2021. Collection method: clinical testing. Allele origin: germline.
Comment: Frameshift variant predicted to result in protein truncation or nonsense mediated decay in a gene for which loss of function is a known mechanism of disease; Not observed at significant frequency in large population cohorts (gnomAD); Has not been previously published as pathogenic or benign to our knowledge